The following is an entry in ClinVar:

NM_005419.4(STAT2):c.899G>A (p.Arg300His)

Gene: STAT2 (signal transducer and activator of transcription 2; minus strand). Cytogenetic location: 12q13.3.
Variant type: single nucleotide variant.
Coding change: c.899G>A on transcript NM_005419.4 (MANE Select); coding-DNA position 899, G replaced by A.
Protein change: p.Arg300His; replaces arginine 300 with histidine.
Molecular consequence: missense variant.
Genome position (GRCh38, 1-based): chr12:56,351,334, C>T on the plus strand (G>A on the coding strand, the complement: STAT2 is on the minus strand). VCF-style: chr12-56351334-C-T. GRCh37 (hg19) VCF-style: chr12-56745118-C-T.
Other names: c.887G>A, p.Arg296His (NM_001385110.1, NM_001385115.1, NM_198332.2); c.899G>A, p.Arg300His (NM_001385111.1, NM_001385113.1, NM_001385114.1); short protein forms R296H, R300H.
Identifiers: ClinVar variation 2101191 (VCV002101191.1), dbSNP rs1241317788, ClinGen allele CA385262258.
Genomic context (GRCh38, chr12:56,351,334, plus strand): 5'-CCTGCCTGGCCTCTAGACCTGTGGAGCAGACGCTGTAGCAACTCTGTGACCTGGGCGTTG[C>T]GTAGGTCCACCCCTTTGGTCAGAGGGTCATCCTGATAGCTAACCAGGCAACTCAGTCCCT-3'
Protein context (NP_005410.1, residues 290-310): DDPLTKGVDL[Arg300His]NAQVTELLQR

ClinVar aggregate classification (germline): Uncertain significance (1 of 4 stars; one submission).

Conditions:
Primary immunodeficiency with post-measles-mumps-rubella vaccine viral infection. Also called: Immunodeficiency 44. Identifiers: Orphanet 431166, MedGen C4225260, MONDO:0014715, OMIM 616636.

Allele frequency attached by ClinVar (database versions not stated): TOPMed below 0.00001; gnomAD exomes 0.00001.
gnomAD v4.1: 8 of 1,614,160 alleles (0.0005%); highest among the groups gnomAD compares: Admixed American, 0.0033%; no homozygotes.

Submission:

Labcorp Genetics (formerly Invitae), Labcorp
Classification: Uncertain significance for Primary immunodeficiency with post-measles-mumps-rubella vaccine viral infection. Last evaluated: 2022-08-13. Review status: criteria provided, single submitter. Criteria: Invitae Variant Classification Sherloc (09022015). Collection method: clinical testing. Allele origin: germline.
Comment: This sequence change replaces arginine, which is basic and polar, with histidine, which is basic and polar, at codon 300 of the STAT2 protein (p.Arg300His). This variant is present in population databases (no rsID available, gnomAD 0.006%). This variant has not been reported in the literature in individuals affected with STAT2-related conditions. Algorithms developed to predict the effect of missense changes on protein structure and function are either unavailable or do not agree on the potential impact of this missense change (SIFT: "Tolerated"; PolyPhen-2: "Possibly Damaging"; Align-GVGD: "Class C0"). In summary, the available evidence is currently insufficient to determine the role of this variant in disease. Therefore, it has been classified as a Variant of Uncertain Significance.